The following is an entry in ClinVar:

NM_000538.4(RFXAP):c.353C>T (p.Ser118Leu)

Gene: RFXAP (regulatory factor X associated protein; plus strand). Cytogenetic location: 13q13.3.
Variant type: single nucleotide variant.
Coding change: c.353C>T on transcript NM_000538.4 (MANE Select); coding-DNA position 353, C replaced by T.
Protein change: p.Ser118Leu; replaces serine 118 with leucine.
Molecular consequence: missense variant.
Genome position (GRCh38, 1-based): chr13:36,819,710, C>T. VCF-style: chr13-36819710-C-T. GRCh37 (hg19) VCF-style: chr13-37393847-C-T.
Other names: short protein forms S118L.
Identifiers: ClinVar variation 851008 (VCV000851008.8), dbSNP rs1227387067, ClinGen allele CA387854896.

ClinVar aggregate classification (germline): Uncertain significance (1 of 4 stars; one submission).

Conditions:
MHC class II deficiency. Also called: Bare lymphocyte syndrome 2; BLS, TYPE II. Identifiers: Orphanet 572, MedGen C5447452, MONDO:0008855.

Allele frequency attached by ClinVar (database versions not stated): gnomAD exomes below 0.00001 and 0.00001; gnomAD 0.00001.
gnomAD v4.1: 3 of 1,549,622 alleles (0.00019%); highest among the groups gnomAD compares: African/African-American, 0.0027%; no homozygotes.

Submission:

Labcorp Genetics (formerly Invitae), Labcorp
Classification: Uncertain significance for MHC class II deficiency. Last evaluated: 2021-10-09. Review status: criteria provided, single submitter. Criteria: Invitae Variant Classification Sherloc (09022015). Collection method: clinical testing. Allele origin: germline.
Comment: In summary, the available evidence is currently insufficient to determine the role of this variant in disease. Therefore, it has been classified as a Variant of Uncertain Significance. Algorithms developed to predict the effect of missense changes on protein structure and function (SIFT, PolyPhen-2, Align-GVGD) all suggest that this variant is likely to be tolerated. This variant has not been reported in the literature in individuals affected with RFXAP-related conditions. The frequency data for this variant in the population databases is considered unreliable, as metrics indicate insufficient coverage at this position in the ExAC database. This sequence change replaces serine with leucine at codon 118 of the RFXAP protein (p.Ser118Leu). The serine residue is moderately conserved and there is a large physicochemical difference between serine and leucine.